The following is an entry in ClinVar:

ClinVar aggregate classification (germline): Uncertain significance (1 of 4 stars; one submission).

gnomAD v4.1: 3 of 1,614,250 alleles (0.00019%); highest among the groups gnomAD compares: Non-Finnish European, 0.00017%; no homozygotes.

Submission:

Labcorp Genetics (formerly Invitae), Labcorp
Classification: Uncertain significance. Last evaluated: 2023-11-14. Review status: criteria provided, single submitter. Criteria: Invitae Variant Classification Sherloc (09022015). Collection method: clinical testing. Allele origin: germline.
Comment: This sequence change replaces arginine, which is basic and polar, with glycine, which is neutral and non-polar, at codon 237 of the SLC25A4 protein (p.Arg237Gly). This variant is present in population databases (no rsID available, gnomAD 0.0009%). This variant has not been reported in the literature in individuals affected with SLC25A4-related conditions. Advanced modeling of protein sequence and biophysical properties (such as structural, functional, and spatial information, amino acid conservation, physicochemical variation, residue mobility, and thermodynamic stability) has been performed at Invitae for this missense variant, however the output from this modeling did not meet the statistical confidence thresholds required to predict the impact of this variant on SLC25A4 protein function. In summary, the available evidence is currently insufficient to determine the role of this variant in disease. Therefore, it has been classified as a Variant of Uncertain Significance.

NM_001151.4(SLC25A4):c.709A>G (p.Arg237Gly)

Gene: SLC25A4 (solute carrier family 25 member 4; plus strand). Cytogenetic location: 4q35.1.
Variant type: single nucleotide variant.
Coding change: c.709A>G on transcript NM_001151.4 (MANE Select); coding-DNA position 709, A replaced by G.
Protein change: p.Arg237Gly; replaces arginine 237 with glycine.
Molecular consequence: missense variant.
Genome position (GRCh38, 1-based): chr4:185,145,869, A>G. VCF-style: chr4-185145869-A-G. GRCh37 (hg19) VCF-style: chr4-186067023-A-G.
Other names: short protein forms R237G.
Identifiers: ClinVar variation 2787354 (VCV002787354.3), dbSNP rs775550324, ClinGen allele CA358897219.